The following is an entry in ClinVar:

ClinVar aggregate classification (germline): Likely benign. Review status: criteria provided, multiple submitters, no conflicts (2 of 4 stars). 2 submissions from 2 submitters: Likely benign (2). Last evaluated 2018-06-14.

Allele frequency attached by ClinVar (database versions not stated): gnomAD 0.01402 and 0.01446; TOPMed 0.01592; 1000 Genomes Project 30x 0.02530; 1000 Genomes Project 0.02616.
gnomAD v4.1: 7,927 of 1,309,402 alleles (0.61%); highest among the groups gnomAD compares: East Asian, 8.1%; 224 homozygotes.

Submissions (2):

GeneDx
Classification: Likely benign. Last evaluated: 2018-06-14. Review status: criteria provided, single submitter. Criteria: GeneDx Variant Classification (06012015). Collection method: clinical testing. Allele origin: germline. Affected: yes.
Comment: This variant is considered likely benign or benign based on one or more of the following criteria: it is a conservative change, it occurs at a poorly conserved position in the protein, it is predicted to be benign by multiple in silico algorithms, and/or has population frequency not consistent with disease.

Breakthrough Genomics
Classification: Likely benign. Review status: criteria provided, single submitter. Criteria: ACMG Guidelines, 2015. Collection method: not provided. Allele origin: germline. Inheritance: Autosomal dominant inheritance. Affected: yes.

NM_001105206.3(LAMA4):c.2813+70C>T

Genes: LAMA4 (laminin subunit alpha 4; minus strand), LOC126859766 (MED14-independent group 3 enhancer GRCh37_chr6:112462018-112463217; plus strand). Cytogenetic location: 6q21.
Variant type: single nucleotide variant.
Coding change: c.2813+70C>T on transcript NM_001105206.3 (MANE Select); 70 bases into the intron after coding-DNA position 2813, C replaced by T.
Molecular consequence: intron variant.
Genome position (GRCh38, 1-based): chr6:112,141,288, G>A on the plus strand (C>T on the coding strand, the complement: LAMA4 is on the minus strand). VCF-style: chr6-112141288-G-A. GRCh37 (hg19) VCF-style: chr6-112462490-G-A.
Other names: c.2792+70C>T (NM_002290.5, NM_001105207.3).
Identifiers: ClinVar variation 675750 (VCV000675750.2), dbSNP rs73766941, ClinGen allele CA144894768.